The following is an entry in ClinVar:

NM_001277115.2(DNAH11):c.7604G>A (p.Arg2535His)

Gene: DNAH11 (dynein axonemal heavy chain 11; plus strand). Cytogenetic location: 7p15.3.
Variant type: single nucleotide variant.
Coding change: c.7604G>A on transcript NM_001277115.2 (MANE Select); coding-DNA position 7604, G replaced by A.
Protein change: p.Arg2535His; replaces arginine 2535 with histidine.
Molecular consequence: missense variant.
Genome position (GRCh38, 1-based): chr7:21,735,803, G>A. VCF-style: chr7-21735803-G-A. GRCh37 (hg19) VCF-style: chr7-21775421-G-A.
Other names: c.7625G>A, p.Arg2542His (NM_003777.3); short protein forms R2535H, R2542H.
Identifiers: ClinVar variation 1759767 (VCV001759767.7), dbSNP rs115598432, ClinGen allele CA4181284.

ClinVar aggregate classification (germline): Conflicting classifications of pathogenicity. Review status: criteria provided, conflicting classifications (1 of 4 stars). 2 submissions from 2 submitters: Uncertain significance (1); Benign (1). Last evaluated 2025-02-16.

Conditions:
Primary ciliary dyskinesia. Also called: Ciliary dyskinesia. Identifiers: Orphanet 244, MedGen C0008780, MONDO:0016575, HP:0012265.

Allele frequency attached by ClinVar (database versions not stated): ExAC 0.00003; ESP Exome Variant Server 0.00008; gnomAD 0.00011; 1000 Genomes Project 0.00040; 1000 Genomes Project 30x 0.00047.
gnomAD v4.1: 60 of 1,613,726 alleles (0.0037%); highest among the groups gnomAD compares: African/African-American, 0.032%; no homozygotes.

Submissions (2):

Labcorp Genetics (formerly Invitae), Labcorp
Classification: Benign for Primary ciliary dyskinesia. Last evaluated: 2025-02-16. Review status: criteria provided, single submitter. Criteria: Invitae Variant Classification Sherloc (09022015). Collection method: clinical testing. Allele origin: germline.

Ambry Genetics
Classification: Uncertain significance for Primary ciliary dyskinesia. Last evaluated: 2016-10-14. Review status: criteria provided, single submitter. Criteria: Ambry Variant Classification Scheme 2023. Collection method: clinical testing. Allele origin: germline.
Comment: The p.R2535H variant (also known as c.7604G>A), located in coding exon 46 of the DNAH11 gene, results from a G to A substitution at nucleotide position 7604. The arginine at codon 2535 is replaced by histidine, an amino acid with highly similar properties. This variant was previously reported in the SNPDatabase as rs115598432. Based on data from the 1000 Genomes Project, the A allele has an overall frequency of approximately 0.05% (1/2098) total alleles studied. The highest observed frequency was 0.57% (1/176) Yoruba alleles. Based on data from the NHLBI Exome Sequencing Project (ESP), the A allele has an overall frequency of approximately 0.01% (1/12146) total alleles studied, having been observed in 0.03% (1/3876) African American alleles. This amino acid position is not well conserved in available vertebrate species. In addition, this alteration is predicted to be tolerated by SIFT in silico analysis. Since supporting evidence is limited at this time, the clinical significance of this alteration remains unclear.